The following is an entry in ClinVar:

Conditions:
Breast-ovarian cancer, familial, susceptibility to, 1 (BROVCA1). Also called: BRCA1 Hereditary Breast and Ovarian Cancer; OVARIAN CANCER, SUSCEPTIBILITY TO. Identifiers: Orphanet 145, MedGen C2676676, MONDO:0011450, OMIM 604370. Disease mechanism: loss of function.

Submission:

Brotman Baty Institute, University of Washington
No classification provided (evidence only). Condition: Breast-ovarian cancer, familial 1. Review status: no classification provided. Collection method: in vitro. Allele origin: not applicable. Functional consequence: functionally_normal.
ClinVar note: "not provided" was previously submitted as the classification for the variant. However, the classification appeared to be based only on an observation of functional data so it was converted to no classification on 2025-07-30.

NM_007294.4(BRCA1):c.5129G>C (p.Gly1710Ala)

Gene: BRCA1 (BRCA1 DNA repair associated; minus strand). Cytogenetic location: 17q21.31.
Variant type: single nucleotide variant.
Coding change: c.5129G>C on transcript NM_007294.4 (MANE Select); coding-DNA position 5129, G replaced by C.
Protein change: p.Gly1710Ala; replaces glycine 1710 with alanine.
Molecular consequence: missense variant. On other transcripts: non-coding transcript variant (1).
Genome position (GRCh38, 1-based): chr17:43,063,897, C>G on the plus strand (G>C on the coding strand, the complement: BRCA1 is on the minus strand). VCF-style: chr17-43063897-C-G. GRCh37 (hg19) VCF-style: chr17-41215914-C-G.
Other names: c.1493G>C, p.Gly498Ala (NM_001408506.1); c.1490G>C, p.Gly497Ala (NM_001408507.1); c.1481G>C, p.Gly494Ala (NM_001408508.1); c.1478G>C, p.Gly493Ala (NM_001408509.1); c.1439G>C, p.Gly480Ala (NM_001408510.1); c.1436G>C, p.Gly479Ala (NM_001408511.1); c.1316G>C, p.Gly439Ala (NM_001408512.1); c.1289G>C, p.Gly430Ala (NM_001408513.1); and 71 more; short protein forms G1710A, G1731A, G606A, G1663A, G1413A, G1581A, G1620A, G1638A.
Identifiers: ClinVar variation 869067 (VCV000869067.3), dbSNP rs398122691, ClinGen allele CA10591284.